The following is an entry in ClinVar:

ClinVar aggregate classification (germline): Likely benign (1 of 4 stars; one submission).

Submission:

GeneDx
Classification: Likely benign. Last evaluated: 2017-10-03. Review status: criteria provided, single submitter. Criteria: GeneDx Variant Classification (06012015). Collection method: clinical testing. Allele origin: germline. Affected: yes.
Comment: This variant is considered likely benign or benign based on one or more of the following criteria: it is a conservative change, it occurs at a poorly conserved position in the protein, it is predicted to be benign by multiple in silico algorithms, and/or has population frequency not consistent with disease.

NM_004006.3(DMD):c.9084+16A>G

Gene: DMD (dystrophin; minus strand). Cytogenetic location: Xp21.2.
Variant type: single nucleotide variant.
Coding change: c.9084+16A>G on transcript NM_004006.3 (MANE Select); 16 bases into the intron after coding-DNA position 9084, A replaced by G.
Molecular consequence: intron variant.
Genome position (GRCh38, 1-based): chrX:31,444,465, T>C on the plus strand (A>G on the coding strand, the complement: DMD is on the minus strand). VCF-style: chrX-31444465-T-C. GRCh37 (hg19) VCF-style: chrX-31462582-T-C.
Other names: c.9060+16A>G (NM_000109.4); c.5061+16A>G (NM_004011.4); c.5052+16A>G (NM_004012.4); c.1704+16A>G (NM_004023.3, NM_004020.4, NM_004022.3 and 2 more transcripts); c.897+16A>G (NM_004014.3); c.9072+16A>G (NM_004009.3); c.8715+16A>G (NM_004010.3).
Identifiers: ClinVar variation 512485 (VCV000512485.1), dbSNP rs1556641217, ClinGen allele CA658799665.